The following is an entry in ClinVar:

ClinVar aggregate classification (germline): Likely benign. Review status: criteria provided, single submitter (1 of 4 stars). 2 submissions from 2 submitters: Likely benign (1). 1 of the submissions does not count toward it. Last evaluated 2023-03-23.

Conditions:
DYNC2I2-related disorder. Also called: DYNC2I2-related condition.
Short-rib thoracic dysplasia 11 with or without polydactyly (SRTD11). Also called: SHORT-RIB THORACIC DYSPLASIA 11 WITHOUT POLYDACTYLY. Identifiers: Orphanet 474, Orphanet 93271, MedGen C3810200, MONDO:0014287, OMIM 615633.

Allele frequency attached by ClinVar (database versions not stated): TOPMed below 0.00001; ExAC 0.00001; gnomAD exomes 0.00003.
gnomAD v4.1: 37 of 1,614,222 alleles (0.0023%); highest among the groups gnomAD compares: Non-Finnish European, 0.0031%; no homozygotes.

Submissions (2):

Labcorp Genetics (formerly Invitae), Labcorp
Classification: Likely benign for Short-rib thoracic dysplasia 11 with or without polydactyly. Last evaluated: 2023-03-23. Review status: criteria provided, single submitter. Criteria: Invitae Variant Classification Sherloc (09022015). Collection method: clinical testing. Allele origin: germline.

PreventionGenetics, part of Exact Sciences
Classification: Likely benign for DYNC2I2-related condition. Last evaluated: 2019-06-13. Review status: no assertion criteria provided. Collection method: clinical testing. Allele origin: germline. Not counted in ClinVar's aggregate classification.
Comment: This variant is classified as likely benign based on ACMG/AMP sequence variant interpretation guidelines (Richards et al. 2015 PMID: 25741868, with internal and published modifications).

NM_052844.4(DYNC2I2):c.330C>T (p.Ala110=)

Gene: DYNC2I2 (dynein 2 intermediate chain 2; minus strand). Cytogenetic location: 9q34.11.
Variant type: single nucleotide variant.
Coding change: c.330C>T on transcript NM_052844.4 (MANE Select); coding-DNA position 330, C replaced by T.
Protein change: p.Ala110=; no amino-acid change (alanine 110 retained).
Molecular consequence: synonymous variant.
Genome position (GRCh38, 1-based): chr9:128,640,796, G>A on the plus strand (C>T on the coding strand, the complement: DYNC2I2 is on the minus strand). VCF-style: chr9-128640796-G-A. GRCh37 (hg19) VCF-style: chr9-131403075-G-A.
Other names: c.330C>T (NM_052844.3).
Identifiers: ClinVar variation 2179724 (VCV002179724.6), dbSNP rs771811262, ClinGen allele CA5266655.